The following is an entry in ClinVar:

ClinVar aggregate classification (germline): Conflicting classifications of pathogenicity. Review status: criteria provided, conflicting classifications (1 of 4 stars). 2 submissions from 2 submitters: Uncertain significance (1); Likely benign (1). Last evaluated 2024-04-24.

Conditions:
Hereditary cancer-predisposing syndrome. Also called: Hereditary neoplastic syndrome; Neoplastic Syndromes, Hereditary; Tumor predisposition; Hereditary Cancer Syndrome. Identifiers: Orphanet 140162, MedGen C0027672, MeSH D009386, MONDO:0015356.
Hereditary breast ovarian cancer syndrome. Also called: Hereditary breast and/or ovarian cancer syndrome; Hereditary breast and ovarian cancer syndrome; Hereditary breast and ovarian cancer syndrome (HBOC); Breast and ovarian cancer; BRCA1- and BRCA2-Associated Hereditary Breast and Ovarian Cancer; Hereditary breast and ovarian cancer. Identifiers: Orphanet 145, MedGen C0677776, MeSH D061325, MONDO:0003582. Disease mechanism: loss of function.

Allele frequency attached by ClinVar (database versions not stated): TOPMed 0.00001.

Submissions (2):

Labcorp Genetics (formerly Invitae), Labcorp
Classification: Uncertain significance for Hereditary breast ovarian cancer syndrome. Last evaluated: 2024-04-24. Review status: criteria provided, single submitter. Criteria: Invitae Variant Classification Sherloc (09022015). Collection method: clinical testing. Allele origin: germline.
Comment: This sequence change replaces methionine, which is neutral and non-polar, with isoleucine, which is neutral and non-polar, at codon 2122 of the BRCA2 protein (p.Met2122Ile). This variant is not present in population databases (gnomAD no frequency). This variant has not been reported in the literature in individuals affected with BRCA2-related conditions. ClinVar contains an entry for this variant (Variation ID: 1003949). Advanced modeling of protein sequence and biophysical properties (such as structural, functional, and spatial information, amino acid conservation, physicochemical variation, residue mobility, and thermodynamic stability) performed at Invitae indicates that this missense variant is not expected to disrupt BRCA2 protein function with a negative predictive value of 95%. In summary, the available evidence is currently insufficient to determine the role of this variant in disease. Therefore, it has been classified as a Variant of Uncertain Significance.

University of Washington Department of Laboratory Medicine, University of Washington
Classification: Likely benign for Hereditary cancer-predisposing syndrome. Last evaluated: 2023-03-23. Review status: criteria provided, single submitter. Criteria: Dines et al. (Genet Med. 2020). Collection method: curation. Allele origin: germline.
Comment: Missense variant in a coldspot region where missense variants are very unlikely to be pathogenic (PMID:31911673).

BRCA2 exon 11 coldspot. Reclassification based on statistical prior probability.

NM_000059.4(BRCA2):c.6366G>A (p.Met2122Ile)

Gene: BRCA2 (BRCA2 DNA repair associated; plus strand). Cytogenetic location: 13q13.1.
Variant type: single nucleotide variant.
Coding change: c.6366G>A on transcript NM_000059.4 (MANE Select); coding-DNA position 6366, G replaced by A.
Protein change: p.Met2122Ile; replaces methionine 2122 with isoleucine.
Molecular consequence: missense variant.
Genome position (GRCh38, 1-based): chr13:32,340,721, G>A. VCF-style: chr13-32340721-G-A. GRCh37 (hg19) VCF-style: chr13-32914858-G-A.
Other names: short protein forms M2122I.
Identifiers: ClinVar variation 1003949 (VCV001003949.10), dbSNP rs1163477792, ClinGen allele CA387789158.
Genomic context (GRCh38, chr13:32,340,721, plus strand): 5'-ATCAAAAATACTTCCTCGTGTTGATAAGAGAAACCCAGAGCACTGTGTAAACTCAGAAAT[G>A]GAAAAAACCTGCAGTAAAGAATTTAAATTATCAAATAACTTAAATGTTGAAGGTGGTTCT-3'
Protein context (NP_000050.3, residues 2112-2132): RNPEHCVNSE[Met2122Ile]EKTCSKEFKL